The following is an entry in ClinVar:

NM_000384.3(APOB):c.7603T>C (p.Tyr2535His)

Gene: APOB (apolipoprotein B; minus strand). Cytogenetic location: 2p24.1.
Variant type: single nucleotide variant.
Coding change: c.7603T>C on transcript NM_000384.3 (MANE Select); coding-DNA position 7603, T replaced by C.
Protein change: p.Tyr2535His; replaces tyrosine 2535 with histidine.
Molecular consequence: missense variant.
Genome position (GRCh38, 1-based): chr2:21,009,265, A>G on the plus strand (T>C on the coding strand, the complement: APOB is on the minus strand). VCF-style: chr2-21009265-A-G. GRCh37 (hg19) VCF-style: chr2-21232137-A-G.
Other names: short protein forms Y2535H.
Identifiers: ClinVar variation 925406 (VCV000925406.10), dbSNP rs146593015, ClinGen allele CA064580.
Genomic context (GRCh38, chr2:21,009,265, plus strand): 5'-TCCACCAATCAGAAATGTAGGTGACAAGTGTGCTATAAACCTGGCCTACCAGAGACAGGT[A>G]TCGTTGAAGTTCCTGCTGAATGTCCATTTGATACATTCGGTCTCGTGTATCTTCTAGGGT-3'
Protein context (NP_000375.3, residues 2525-2545): QMDIQQELQR[Tyr2535His]LSLVGQVYST

ClinVar aggregate classification (germline): Conflicting classifications of pathogenicity. Review status: criteria provided, conflicting classifications (1 of 4 stars). 3 submissions from 3 submitters: Uncertain significance (2); Likely benign (1). Last evaluated 2026-01-10.

Conditions:
Familial hypobetalipoproteinemia 1. Also called: Hypobetalipoproteinemia, normotriglyceridemic; Acanthocytosis with hypobetalipoproteinemia; APOB-Related Familial Hypobetalipoproteinemia. Identifiers: MedGen C4551990, MONDO:0014252, OMIM 615558.
Hypercholesterolemia, autosomal dominant, type B (FHCL2). Also called: Familial Hypercholesterolemia Type B; HYPERCHOLESTEROLEMIA, FAMILIAL, DUE TO LIGAND-DEFECTIVE APOLIPOPROTEIN B; Familial hypercholesterolemia 2; APOB-Related Familial Hypercholesterolemia, Autosomal Dominant; APOLIPOPROTEIN B-100, FAMILIAL DEFECTIVE; APOLIPOPROTEIN B-100, FAMILIAL LIGAND-DEFECTIVE. Identifiers: MedGen C1704417, MONDO:0007751, OMIM 144010.
Cardiovascular phenotype. Identifiers: MedGen CN230736.

Allele frequency attached by ClinVar (database versions not stated): ExAC 0.00001; gnomAD 0.00001; gnomAD exomes 0.00001 and 0.00003; TOPMed 0.00002; ESP Exome Variant Server 0.00008.
gnomAD v4.1: 41 of 1,614,002 alleles (0.0025%); highest among the groups gnomAD compares: Non-Finnish European, 0.0032%; no homozygotes.

Submissions (3):

Labcorp Genetics (formerly Invitae), Labcorp
Classification: Likely benign for Familial hypobetalipoproteinemia 1; Hypercholesterolemia, autosomal dominant, type B. Last evaluated: 2026-01-10. Review status: criteria provided, single submitter. Criteria: Invitae Variant Classification Sherloc (09022015). Collection method: clinical testing. Allele origin: germline.

Ambry Genetics
Classification: Uncertain significance for Cardiovascular phenotype. Last evaluated: 2023-02-12. Review status: criteria provided, single submitter. Criteria: Ambry Variant Classification Scheme 2023. Collection method: clinical testing. Allele origin: germline.
Comment: The p.Y2535H variant (also known as c.7603T>C), located in coding exon 26 of the APOB gene, results from a T to C substitution at nucleotide position 7603. The tyrosine at codon 2535 is replaced by histidine, an amino acid with similar properties. This amino acid position is not well conserved in available vertebrate species. In addition, this alteration is predicted to be tolerated by in silico analysis. Since supporting evidence is limited at this time, the clinical significance of this alteration remains unclear.

Fulgent Genetics
Classification: Uncertain significance for Hypercholesterolemia, autosomal dominant, type B; Familial hypobetalipoproteinemia 1. Last evaluated: 2021-11-16. Review status: criteria provided, single submitter. Criteria: ACMG Guidelines, 2015. Collection method: clinical testing. Allele origin: unknown.